The following is an entry in ClinVar:

ClinVar aggregate classification (germline): Benign. Review status: criteria provided, multiple submitters, no conflicts (2 of 4 stars). 4 submissions from 3 submitters: Benign (4). Last evaluated 2021-05-11.

Conditions:
Deficiency of steroid 11-beta-monooxygenase (CYP11B1). Also called: ADRENAL HYPERPLASIA, CONGENITAL, DUE TO STEROID 11-BETA-HYDROXYLASE DEFICIENCY; 11-BETA-HYDROXYLASE DEFICIENCY; ADRENAL HYPERPLASIA IV; P450C11B1 DEFICIENCY; STEROID 11-BETA-HYDROXYLASE DEFICIENCY; Congenital adrenal hyperplasia due to 11-beta-hydroxylase deficiency. Identifiers: Orphanet 90795, MedGen C0268292, MONDO:0008729, OMIM 202010. Disease mechanism: loss of function.
Glucocorticoid-remediable aldosteronism. Also called: Hyperaldosteronism, familial, type I; ACTH-DEPENDENT HYPERALDOSTERONISM SYNDROME; ALDOSTERONISM, SENSITIVE TO DEXAMETHASONE; FH I; GLUCOCORTICOID-SUPPRESSIBLE HYPERALDOSTERONISM. Identifiers: Orphanet 403, MedGen C3838731, MONDO:0007080, OMIM 103900.

Allele frequency attached by ClinVar (database versions not stated): gnomAD exomes 0.08419; 1000 Genomes Project 0.12121; gnomAD 0.13097 and 0.13529; 1000 Genomes Project 30x 0.13117; TOPMed 0.13484.

Submissions (4):

GeneDx
Classification: Benign. Last evaluated: 2021-05-11. Review status: criteria provided, single submitter. Criteria: GeneDx Variant Classification Process June 2021. Collection method: clinical testing. Allele origin: germline. Affected: yes.

Illumina Laboratory Services, Illumina
Classification: Benign for Deficiency of steroid 11-beta-monooxygenase. Last evaluated: 2018-01-13. Review status: criteria provided, single submitter. Criteria: ICSL Variant Classification Criteria 13 December 2019. Collection method: clinical testing. Allele origin: germline.
Comment: This variant was observed in the ICSL laboratory as part of a predisposition screen in an ostensibly healthy population. It had not been previously curated by ICSL or reported in the Human Gene Mutation Database (HGMD: prior to June 1st, 2018), and was therefore a candidate for classification through an automated scoring system. Utilizing variant allele frequency, disease prevalence and penetrance estimates, and inheritance mode, an automated score was calculated to assess if this variant is too frequent to cause the disease. Based on the score and internal cut-off values, a variant classified as benign is not then subjected to further curation. The score for this variant resulted in a classification of benign for this disease.

Illumina Laboratory Services, Illumina
Classification: Benign for Glucocorticoid-remediable aldosteronism. Last evaluated: 2018-01-13. Review status: criteria provided, single submitter. Criteria: ICSL Variant Classification Criteria 13 December 2019. Collection method: clinical testing. Allele origin: germline.
Comment: the same text as in the submission from Illumina Laboratory Services, Illumina above.

Breakthrough Genomics
Classification: Benign. Review status: criteria provided, single submitter. Criteria: ACMG Guidelines, 2015. Collection method: not provided. Allele origin: germline. Inheritance: Autosomal recessive inheritance. Affected: yes.

NM_000497.4(CYP11B1):c.*132T>C

Genes: CYP11B1 (cytochrome P450 family 11 subfamily B member 1; minus strand), LOC106799833 (CYP11B1 recombination region; plus strand). Cytogenetic location: 8q24.3.
Variant type: single nucleotide variant.
Coding change: c.*132T>C on transcript NM_000497.4 (MANE Select); 132 bases downstream of the stop codon, T replaced by C.
Molecular consequence: 3 prime UTR variant.
Genome position (GRCh38, 1-based): chr8:142,874,241, A>G on the plus strand (T>C on the coding strand, the complement: CYP11B1 is on the minus strand). VCF-style: chr8-142874241-A-G. GRCh37 (hg19) VCF-style: chr8-143955657-A-G.
Other names: c.*132T>C (NM_001026213.1).
Identifiers: ClinVar variation 362143 (VCV000362143.8), dbSNP rs5297, ClinGen allele CA10630404.